The following is an entry in ClinVar:

NM_001184880.2(PCDH19):c.2676-218C>T

Gene: PCDH19 (protocadherin 19; minus strand). Cytogenetic location: Xq22.1.
Variant type: single nucleotide variant.
Coding change: c.2676-218C>T on transcript NM_001184880.2 (MANE Select); 218 bases into the intron before coding-DNA position 2676, C replaced by T.
Molecular consequence: intron variant.
Genome position (GRCh38, 1-based): chrX:100,342,293, G>A on the plus strand (C>T on the coding strand, the complement: PCDH19 is on the minus strand). VCF-style: chrX-100342293-G-A. GRCh37 (hg19) VCF-style: chrX-99597291-G-A.
Other names: c.2535-221C>T (NM_020766.3); c.2535-218C>T (NM_001105243.2).
Identifiers: ClinVar variation 667795 (VCV000667795.1), dbSNP rs17282289, ClinGen allele CA333821224.

ClinVar aggregate classification (germline): Likely benign (1 of 4 stars; one submission).

Allele frequency attached by ClinVar (database versions not stated): gnomAD 0.03638 and 0.04283; TOPMed 0.05779; 1000 Genomes Project 30x 0.12216; 1000 Genomes Project 0.12450.
gnomAD v4.1: 4,781 of 111,596 alleles (4.3%); highest among the groups gnomAD compares: East Asian, 25%; 247 homozygotes.

Submission:

GeneDx
Classification: Likely benign. Last evaluated: 2018-06-19. Review status: criteria provided, single submitter. Criteria: GeneDx Variant Classification (06012015). Collection method: clinical testing. Allele origin: germline. Affected: yes.
Comment: This variant is considered likely benign or benign based on one or more of the following criteria: it is a conservative change, it occurs at a poorly conserved position in the protein, it is predicted to be benign by multiple in silico algorithms, and/or has population frequency not consistent with disease.